The following is an entry in ClinVar:

NM_005506.4(SCARB2):c.488A>G (p.Tyr163Cys)

Gene: SCARB2 (scavenger receptor class B member 2; minus strand). Cytogenetic location: 4q21.1.
Variant type: single nucleotide variant.
Coding change: c.488A>G on transcript NM_005506.4 (MANE Select); coding-DNA position 488, A replaced by G.
Protein change: p.Tyr163Cys; replaces tyrosine 163 with cysteine.
Molecular consequence: missense variant. On other transcripts: intron variant (1).
Genome position (GRCh38, 1-based): chr4:76,179,641, T>C on the plus strand (A>G on the coding strand, the complement: SCARB2 is on the minus strand). VCF-style: chr4-76179641-T-C. GRCh37 (hg19) VCF-style: chr4-77100794-T-C.
Other names: c.488A>G (NM_005506.3); c.276-3731A>G (NM_001204255.2); short protein forms Y163C.
Identifiers: ClinVar variation 1017538 (VCV001017538.8), dbSNP rs1326652823, ClinGen allele CA357326920.

ClinVar aggregate classification (germline): Uncertain significance. Review status: criteria provided, multiple submitters, no conflicts (2 of 4 stars). 2 submissions from 2 submitters: Uncertain significance (2). Last evaluated 2025-08-21.

Conditions:
Inborn genetic diseases. Identifiers: MedGen C0950123, MeSH D030342.
Progressive myoclonic epilepsy. Also called: Myoclonic Epilepsies, Progressive; Familial progressive myoclonic epilepsy; Myoclonus epilepsy; Progressive myoclonus epilepsy. Identifiers: Orphanet 308, Orphanet 98261, MedGen C0751778, MONDO:0020074.

Allele frequency attached by ClinVar (database versions not stated): gnomAD exomes below 0.00001.

Submissions (2):

Ambry Genetics
Classification: Uncertain significance for Inborn genetic diseases. Last evaluated: 2025-08-21. Review status: criteria provided, single submitter. Criteria: Ambry Variant Classification Scheme 2023. Collection method: clinical testing. Allele origin: germline.

Labcorp Genetics (formerly Invitae), Labcorp
Classification: Uncertain significance for Progressive myoclonic epilepsy. Last evaluated: 2025-06-20. Review status: criteria provided, single submitter. Criteria: Invitae Variant Classification Sherloc (09022015). Collection method: clinical testing. Allele origin: germline.
Comment: This sequence change replaces tyrosine, which is neutral and polar, with cysteine, which is neutral and slightly polar, at codon 163 of the SCARB2 protein (p.Tyr163Cys). This variant is present in population databases (no rsID available, gnomAD 0.003%). This variant has not been reported in the literature in individuals affected with SCARB2-related conditions. ClinVar contains an entry for this variant (Variation ID: 1017538). Invitae Evidence Modeling of protein sequence and biophysical properties (such as structural, functional, and spatial information, amino acid conservation, physicochemical variation, residue mobility, and thermodynamic stability) indicates that this missense variant is not expected to disrupt SCARB2 protein function with a negative predictive value of 80%. In summary, the available evidence is currently insufficient to determine the role of this variant in disease. Therefore, it has been classified as a Variant of Uncertain Significance.